The following is an entry in ClinVar:

NM_000824.5(GLRB):c.1428T>A (p.Tyr476Ter)

Gene: GLRB (glycine receptor beta; plus strand). Cytogenetic location: 4q32.1.
Variant type: single nucleotide variant.
Coding change: c.1428T>A on transcript NM_000824.5 (MANE Select); coding-DNA position 1428, T replaced by A.
Protein change: p.Tyr476Ter; replaces tyrosine 476 with a stop codon.
Molecular consequence: nonsense. On other transcripts: 3 prime UTR variant (1).
Genome position (GRCh38, 1-based): chr4:157,170,662, T>A. VCF-style: chr4-157170662-T-A. GRCh37 (hg19) VCF-style: chr4-158091814-T-A.
Other names: c.1428T>A, p.Tyr476Ter (NM_001166060.2); c.*223T>A (NM_001166061.2); short protein forms Y476*.
Identifiers: ClinVar variation 1450846 (VCV001450846.7), dbSNP rs763395384, ClinGen allele CA109167795.

ClinVar aggregate classification (germline): Uncertain significance. Review status: criteria provided, multiple submitters, no conflicts (2 of 4 stars). 2 submissions from 2 submitters: Uncertain significance (2). Last evaluated 2025-02-05.

Conditions:
Hyperekplexia 2 (HKPX2). Identifiers: Orphanet 3197, MedGen C3553291, MONDO:0013828, OMIM 614619.

gnomAD v4.1: 5 of 1,608,662 alleles (0.00031%); highest among the groups gnomAD compares: Admixed American, 0.0017%; no homozygotes.

Submissions (2):

Labcorp Genetics (formerly Invitae), Labcorp
Classification: Uncertain significance for Hyperekplexia 2. Last evaluated: 2025-02-05. Review status: criteria provided, single submitter. Criteria: Invitae Variant Classification Sherloc (09022015). Collection method: clinical testing. Allele origin: germline.
Comment: This sequence change creates a premature translational stop signal (p.Tyr476*) in the GLRB gene. While this is not anticipated to result in nonsense mediated decay, it is expected to disrupt the last 22 amino acid(s) of the GLRB protein. This variant is not present in population databases (gnomAD no frequency). This variant has not been reported in the literature in individuals affected with GLRB-related conditions. ClinVar contains an entry for this variant (Variation ID: 1450846). Experimental studies and prediction algorithms are not available or were not evaluated, and the functional significance of this variant is currently unknown. This variant disrupts a region of the GLRB protein in which other variant(s) (p.Ala477Pro) have been observed in individuals with GLRB-related conditions (PMID: 35526563, 35841715). This suggests that this is a clinically significant region of the protein, and that variants that disrupt it are likely to be disease-causing. In summary, the available evidence is currently insufficient to determine the role of this variant in disease. Therefore, it has been classified as a Variant of Uncertain Significance.

3billion
Classification: Uncertain significance for Hyperekplexia 2. Last evaluated: 2024-10-29. Review status: criteria provided, single submitter. Criteria: ACMG Guidelines, 2015. Collection method: clinical testing. Allele origin: germline. Affected: yes.
Comment: The variant is observed at an extremely low frequency in the gnomAD v4.1.0 dataset (total allele frequency: <0.001%). Predicted Consequence/Location: Stop-gained (nonsense): predicted to result in a loss or disruption of normal protein function through protein truncation. The predicted truncated protein may be shortened by less than 10%. The variant has been reported as of uncertain significance (ClinVar ID: VCV001450846). Therefore, this variant is classified as VUS according to the recommendation of ACMG/AMP guideline.

Literature cited by the submitters: PubMed 35526563 (cited by Labcorp Genetics (formerly Invitae), Labcorp); PubMed 35841715 (cited by Labcorp Genetics (formerly Invitae), Labcorp).